The following is an entry in ClinVar:

ClinVar aggregate classification (germline): Uncertain significance. Review status: criteria provided, multiple submitters, no conflicts (2 of 4 stars). 2 submissions from 2 submitters: Uncertain significance (2). Last evaluated 2023-07-19.

Conditions:
MHC class I deficiency. Identifiers: Orphanet 34592, MedGen C6024714, MONDO:0011476.
Inborn genetic diseases. Identifiers: MedGen C0950123, MeSH D030342.

Allele frequency attached by ClinVar (database versions not stated): gnomAD 0.00001.

Submissions (2):

Ambry Genetics
Classification: Uncertain significance for Inborn genetic diseases. Last evaluated: 2023-07-19. Review status: criteria provided, single submitter. Criteria: Ambry Variant Classification Scheme 2023. Collection method: clinical testing. Allele origin: germline.

Labcorp Genetics (formerly Invitae), Labcorp
Classification: Uncertain significance for MHC class I deficiency 1. Last evaluated: 2021-08-26. Review status: criteria provided, single submitter. Criteria: Invitae Variant Classification Sherloc (09022015). Collection method: clinical testing. Allele origin: germline.
Comment: This sequence change replaces glycine with glutamic acid at codon 34 of the TAP2 protein (p.Gly34Glu). The glycine residue is moderately conserved and there is a moderate physicochemical difference between glycine and glutamic acid. This variant is not present in population databases (ExAC no frequency). This variant has not been reported in the literature in individuals affected with TAP2-related conditions. Algorithms developed to predict the effect of missense changes on protein structure and function are either unavailable or do not agree on the potential impact of this missense change (SIFT: "Deleterious"; PolyPhen-2: "Not Available"; Align-GVGD: "Class C0"). In summary, the available evidence is currently insufficient to determine the role of this variant in disease. Therefore, it has been classified as a Variant of Uncertain Significance.

NM_001290043.2(TAP2):c.101G>A (p.Gly34Glu)

Gene: TAP2 (transporter 2, ATP binding cassette subfamily B member; minus strand). Cytogenetic location: 6p21.32.
Variant type: single nucleotide variant.
Coding change: c.101G>A on transcript NM_001290043.2 (MANE Select); coding-DNA position 101, G replaced by A.
Protein change: p.Gly34Glu; replaces glycine 34 with glutamic acid.
Molecular consequence: missense variant.
Genome position (GRCh38, 1-based): chr6:32,838,133, C>T on the plus strand (G>A on the coding strand, the complement: TAP2 is on the minus strand). VCF-style: chr6-32838133-C-T. GRCh37 (hg19) VCF-style: chr6-32805910-C-T.
Other names: c.101G>A, p.Gly34Glu (NM_000544.3, NM_018833.3); short protein forms G34E.
Identifiers: ClinVar variation 1405582 (VCV001405582.5), dbSNP rs759264510, ClinGen allele CA363587377.